The following is an entry in ClinVar:

ClinVar aggregate classification (germline): Conflicting classifications of pathogenicity. Review status: criteria provided, conflicting classifications (1 of 4 stars). 4 submissions from 4 submitters: Uncertain significance (3); Benign (1). Last evaluated 2025-10-28.

Conditions:
Hereditary cancer-predisposing syndrome. Also called: Hereditary Cancer Syndrome; Neoplastic Syndromes, Hereditary; Tumor predisposition; Hereditary neoplastic syndrome. Identifiers: Orphanet 140162, MedGen C0027672, MeSH D009386, MONDO:0015356.
Fanconi anemia complementation group O. Also called: RAD51C-Related Fanconi Anemia. Identifiers: Orphanet 84, MedGen C3150653, MONDO:0013248, OMIM 613390.

Allele frequency attached by ClinVar (database versions not stated): TOPMed 0.00001; gnomAD exomes below 0.00001.
gnomAD v4.1: 1 of 1,614,080 alleles (0.000062%); highest among the groups gnomAD compares: Non-Finnish European, 0.000085%; no homozygotes.

Submissions (4):

Ambry Genetics
Classification: Benign for Hereditary cancer-predisposing syndrome. Last evaluated: 2025-10-28. Review status: criteria provided, single submitter. Criteria: Ambry Variant Classification Scheme 2023. Collection method: clinical testing. Allele origin: germline.

Labcorp Genetics (formerly Invitae), Labcorp
Classification: Uncertain significance for Fanconi anemia complementation group O. Last evaluated: 2025-01-23. Review status: criteria provided, single submitter. Criteria: Invitae Variant Classification Sherloc (09022015). Collection method: clinical testing. Allele origin: germline.
Comment: This sequence change replaces lysine, which is basic and polar, with asparagine, which is neutral and polar, at codon 188 of the RAD51C protein (p.Lys188Asn). This variant is not present in population databases (gnomAD no frequency). This missense change has been observed in individual(s) with breast and/or ovarian cancer (PMID: 21980511). ClinVar contains an entry for this variant (Variation ID: 229913). An algorithm developed to predict the effect of missense changes on protein structure and function (PolyPhen-2) suggests that this variant is likely to be tolerated. In summary, the available evidence is currently insufficient to determine the role of this variant in disease. Therefore, it has been classified as a Variant of Uncertain Significance.

GeneDx
Classification: Uncertain significance. Last evaluated: 2024-03-28. Review status: criteria provided, single submitter. Criteria: GeneDx Variant Classification Process June 2021. Collection method: clinical testing. Allele origin: germline. Affected: yes.
Comment: Not observed at significant frequency in large population cohorts (gnomAD); In silico analysis supports that this missense variant does not alter protein structure/function; This variant is associated with the following publications: (PMID: 14704354, 28864920, 21980511)

Color Diagnostics, LLC DBA Color Health
Classification: Uncertain significance for Hereditary cancer-predisposing syndrome. Last evaluated: 2019-01-10. Review status: criteria provided, single submitter. Criteria: ACMG Guidelines, 2015. Collection method: clinical testing. Allele origin: germline.

Literature cited by the submitters: PubMed 21980511 (cited by Ambry Genetics and Labcorp Genetics (formerly Invitae), Labcorp); PubMed 28864920 (cited by Ambry Genetics).

NM_058216.3(RAD51C):c.564G>T (p.Lys188Asn)

Gene: RAD51C (RAD51 paralog C; plus strand). Cytogenetic location: 17q22.
Variant type: single nucleotide variant.
Coding change: c.564G>T on transcript NM_058216.3 (MANE Select); coding-DNA position 564, G replaced by T.
Protein change: p.Lys188Asn; replaces lysine 188 with asparagine.
Molecular consequence: missense variant.
Genome position (GRCh38, 1-based): chr17:58,696,852, G>T. VCF-style: chr17-58696852-G-T. GRCh37 (hg19) VCF-style: chr17-56774213-G-T.
Other names: c.564G>T (LRG_314t1); short protein forms K188N.
Identifiers: ClinVar variation 229913 (VCV000229913.16), dbSNP rs876658264, ClinGen allele CA10580743.
Genomic context (GRCh38, chr17:58,696,852, plus strand): 5'-AGTGGTAGACCTTGCTACTGCCTGCATTCAGCACCTTCAGCTTATAGCAGAAAAACACAA[G>T]GGAGAGGGTAAGTTAGTAAATGATCTTCTTTTTTTCTGTATTAATAAAAGTAATTTGCAT-3'
Protein context (NP_478123.1, residues 178-198): QHLQLIAEKH[Lys188Asn]GEEHRKALED